The following is an entry in ClinVar:

NM_003060.4(SLC22A5):c.-40_-21dup

Gene: SLC22A5 (solute carrier family 22 member 5; plus strand). Cytogenetic location: 5q31.1.
Variant type: Duplication.
Coding change: c.-40_-21dup on transcript NM_003060.4 (MANE Select); 40 bases upstream of the start codon through 21 bases upstream of the start codon, 20 bases duplicated (CCCGACCCCAGGCCGCGCTC).
Molecular consequence: 5 prime UTR variant.
Genome position (GRCh38, 1-based): chr5:132,369,933-132,369,952, CCCGACCCCAGGCCGCGCTC duplicated; duplicating any 20 consecutive bases within chr5:132,369,931-132,369,952 gives the same sequence; the c. name uses the placement nearest the transcript's 3' end. VCF-style (leftmost placement, unchanged base first): chr5-132369930-T-TTCCCCGACCCCAGGCCGCGC. GRCh37 (hg19) VCF-style: chr5-131705622-T-TTCCCCGACCCCAGGCCGCGC.
Other names: c.-40_-21dup (NM_001308122.2).
Identifiers: ClinVar variation 5004647 (VCV005004647.1).

ClinVar aggregate classification (germline): Uncertain significance (1 of 4 stars; one submission).

Conditions:
Renal carnitine transport defect (CDSP). Also called: CARNITINE DEFICIENCY, SYSTEMIC, DUE TO DEFECT IN RENAL REABSORPTION OF CARNITINE; CARNITINE TRANSPORTER, PLASMA-MEMBRANE, DEFICIENCY OF; CARNITINE UPTAKE DEFECT; Systemic primary carnitine deficiency; Systemic primary carnitine deficiency disease; Carnitine transporter deficiency. Identifiers: Orphanet 158, MedGen C0342788, MONDO:0008919, OMIM 212140.

Submission:

Myriad Genetics, Inc.
Classification: Uncertain significance for Renal carnitine transport defect. Last evaluated: 2026-05-06. Review status: criteria provided, single submitter. Criteria: Myriad Autosomal Dominant, Autosomal Recessive and X-Linked Classification Criteria (2023). Collection method: clinical testing. Allele origin: unknown.
Comment: NM_003060.3(SLC22A5):c.-40_-21dup20 is a 5' non-coding variant classified as a variant of uncertain significance in the context of primary carnitine deficiency. c.-40_-21dup20 has not been observed in cases with relevant disease. Relevant functional assessments of this variant are not available in the literature. c.-40_-21dup20 has not been observed in referenced population frequency databases. In summary, there is insufficient evidence to classify NM_003060.3(SLC22A5):c.-40_-21dup20 as pathogenic or benign. Please note: this variant was assessed in the context of healthy population screening.